The following is an entry in ClinVar:

NM_000283.4(PDE6B):c.1112G>A (p.Gly371Glu)

Gene: PDE6B (phosphodiesterase 6B; plus strand). Cytogenetic location: 4p16.3.
Variant type: single nucleotide variant.
Coding change: c.1112G>A on transcript NM_000283.4 (MANE Select); coding-DNA position 1112, G replaced by A.
Protein change: p.Gly371Glu; replaces glycine 371 with glutamic acid.
Molecular consequence: missense variant. On other transcripts: 5 prime UTR variant (1).
Genome position (GRCh38, 1-based): chr4:656,878, G>A. VCF-style: chr4-656878-G-A. GRCh37 (hg19) VCF-style: chr4-650667-G-A.
Other names: c.1112G>A, p.Gly371Glu (NM_001145291.2); c.275G>A, p.Gly92Glu (NM_001145292.2, NM_001350154.3, NM_001379246.1 and 1 more transcripts); c.-44G>A (NM_001350155.3); short protein forms G371E, G92E.
Identifiers: ClinVar variation 3613060 (VCV003613060.2).

ClinVar aggregate classification (germline): Uncertain significance (1 of 4 stars; one submission).

Submission:

Labcorp Genetics (formerly Invitae), Labcorp
Classification: Uncertain significance. Last evaluated: 2024-12-16. Review status: criteria provided, single submitter. Criteria: Invitae Variant Classification Sherloc (09022015). Collection method: clinical testing. Allele origin: germline.
Comment: This sequence change replaces glycine, which is neutral and non-polar, with glutamic acid, which is acidic and polar, at codon 371 of the PDE6B protein (p.Gly371Glu). This variant is not present in population databases (gnomAD no frequency). This variant has not been reported in the literature in individuals affected with PDE6B-related conditions. Invitae Evidence Modeling of protein sequence and biophysical properties (such as structural, functional, and spatial information, amino acid conservation, physicochemical variation, residue mobility, and thermodynamic stability) indicates that this missense variant is not expected to disrupt PDE6B protein function with a negative predictive value of 95%. In summary, the available evidence is currently insufficient to determine the role of this variant in disease. Therefore, it has been classified as a Variant of Uncertain Significance.